The following is an entry in ClinVar:

ClinVar aggregate classification (germline): Uncertain significance (1 of 4 stars; one submission).

Submission:

Labcorp Genetics (formerly Invitae), Labcorp
Classification: Uncertain significance. Last evaluated: 2024-02-24. Review status: criteria provided, single submitter. Criteria: Invitae Variant Classification Sherloc (09022015). Collection method: clinical testing. Allele origin: germline.
Comment: This sequence change replaces glutamine, which is neutral and polar, with arginine, which is basic and polar, at codon 114 of the DPF2 protein (p.Gln114Arg). This variant is not present in population databases (gnomAD no frequency). This variant has not been reported in the literature in individuals affected with DPF2-related conditions. ClinVar contains an entry for this variant (Variation ID: 1417031). An algorithm developed to predict the effect of missense changes on protein structure and function (PolyPhen-2) suggests that this variant is likely to be tolerated. In summary, the available evidence is currently insufficient to determine the role of this variant in disease. Therefore, it has been classified as a Variant of Uncertain Significance.

NM_006268.5(DPF2):c.341A>G (p.Gln114Arg)

Gene: DPF2 (double PHD fingers 2; plus strand). Cytogenetic location: 11q13.1.
Variant type: single nucleotide variant.
Coding change: c.341A>G on transcript NM_006268.5 (MANE Select); coding-DNA position 341, A replaced by G.
Protein change: p.Gln114Arg; replaces glutamine 114 with arginine.
Molecular consequence: missense variant.
Genome position (GRCh38, 1-based): chr11:65,341,438, A>G. VCF-style: chr11-65341438-A-G. GRCh37 (hg19) VCF-style: chr11-65108909-A-G.
Other names: c.341A>G, p.Gln114Arg (NM_001330308.2); short protein forms Q114R.
Identifiers: ClinVar variation 1417031 (VCV001417031.6), dbSNP rs2137693557, ClinGen allele CA381250497.